The following is an entry in ClinVar:

ClinVar aggregate classification (germline): Uncertain significance (1 of 4 stars; one submission).

Conditions:
Hereditary pheochromocytoma and paraganglioma. Also called: Hereditary paragangliomas and pheochromocytomas; Hereditary pheochromocytoma-paraganglioma; Hereditary Paraganglioma-Pheochromocytoma Syndromes. Identifiers: Orphanet 29072, MedGen C4274332, MONDO:0017366.

Allele frequency attached by ClinVar (database versions not stated): gnomAD exomes below 0.00001; gnomAD 0.00001.
gnomAD v4.1: 2 of 1,614,098 alleles (0.00012%); highest among the groups gnomAD compares: Non-Finnish European, 0.00017%; no homozygotes.

Submission:

Labcorp Genetics (formerly Invitae), Labcorp
Classification: Uncertain significance for Hereditary pheochromocytoma and paraganglioma. Last evaluated: 2020-05-20. Review status: criteria provided, single submitter. Criteria: Invitae Variant Classification Sherloc (09022015). Collection method: clinical testing. Allele origin: germline.
Comment: In summary, the available evidence is currently insufficient to determine the role of this variant in disease. Therefore, it has been classified as a Variant of Uncertain Significance. Algorithms developed to predict the effect of missense changes on protein structure and function (SIFT, PolyPhen-2, Align-GVGD) all suggest that this variant is likely to be tolerated, but these predictions have not been confirmed by published functional studies and their clinical significance is uncertain. This variant has not been reported in the literature in individuals with SDHAF2-related conditions. This variant is not present in population databases (ExAC no frequency). This sequence change replaces serine with threonine at codon 10 of the SDHAF2 protein (p.Ser10Thr). The serine residue is weakly conserved and there is a small physicochemical difference between serine and threonine.

NM_017841.4(SDHAF2):c.28T>A (p.Ser10Thr)

Gene: SDHAF2 (succinate dehydrogenase complex assembly factor 2; plus strand). Cytogenetic location: 11q12.2.
Variant type: single nucleotide variant.
Coding change: c.28T>A on transcript NM_017841.4 (MANE Select); coding-DNA position 28, T replaced by A.
Protein change: p.Ser10Thr; replaces serine 10 with threonine.
Molecular consequence: missense variant.
Genome position (GRCh38, 1-based): chr11:61,430,174, T>A. VCF-style: chr11-61430174-T-A. GRCh37 (hg19) VCF-style: chr11-61197646-T-A.
Other names: short protein forms S10T.
Identifiers: ClinVar variation 1046501 (VCV001046501.8), dbSNP rs1861838801, ClinGen allele CA380680200.